The following is an entry in ClinVar:

ClinVar aggregate classification (germline): Uncertain significance. Review status: criteria provided, multiple submitters, no conflicts (2 of 4 stars). 3 submissions from 3 submitters: Uncertain significance (3). Last evaluated 2024-04-24.

Conditions:
Colorectal cancer, susceptibility to, 1. Also called: COLORECTAL ADENOMA AND CANCER, SUSCEPTIBILITY TO; COLORECTAL CANCER, SUSCEPTIBILITY TO, ON CHROMOSOME 9. Identifiers: MedGen C1837315, MONDO:0012132, OMIM 608812.

Allele frequency attached by ClinVar (database versions not stated): gnomAD exomes below 0.00001; gnomAD 0.00001; TOPMed 0.00002.

Submissions (3):

Labcorp Genetics (formerly Invitae), Labcorp
Classification: Uncertain significance. Last evaluated: 2024-04-24. Review status: criteria provided, single submitter. Criteria: Invitae Variant Classification Sherloc (09022015). Collection method: clinical testing. Allele origin: germline.
Comment: This sequence change creates a premature translational stop signal (p.Gln473*) in the GALNT12 gene. It is expected to result in an absent or disrupted protein product. However, the current clinical and genetic evidence is not sufficient to establish whether loss-of-function variants in GALNT12 cause disease. This variant is present in population databases (no rsID available, gnomAD 0.0009%). This variant has not been reported in the literature in individuals affected with GALNT12-related conditions. ClinVar contains an entry for this variant (Variation ID: 1772159). In summary, the available evidence is currently insufficient to determine the role of this variant in disease. Therefore, it has been classified as a Variant of Uncertain Significance.

Baylor Genetics
Classification: Uncertain significance for Colorectal cancer, susceptibility to, 1. Last evaluated: 2023-10-18. Review status: criteria provided, single submitter. Criteria: ACMG Guidelines, 2015. Collection method: clinical testing. Allele origin: unknown.

Ambry Genetics
Classification: Uncertain significance. Last evaluated: 2023-08-23. Review status: criteria provided, single submitter. Criteria: Ambry Variant Classification Scheme 2023. Collection method: clinical testing. Allele origin: germline.
Comment: The p.Q473* variant (also known as c.1417C>T), located in coding exon 8 of the GALNT12 gene, results from a C to T substitution at nucleotide position 1417. This changes the amino acid from a glutamine to a stop codon within coding exon 8. This alteration is expected to result in premature protein truncation or nonsense-mediated mRNA decay. The evidence for this gene-disease relationship is limited; therefore, the clinical significance of this alteration is unclear.

NM_024642.5(GALNT12):c.1417C>T (p.Gln473Ter)

Gene: GALNT12 (polypeptide N-acetylgalactosaminyltransferase 12; plus strand). Cytogenetic location: 9q22.33.
Variant type: single nucleotide variant.
Coding change: c.1417C>T on transcript NM_024642.5 (MANE Select); coding-DNA position 1417, C replaced by T.
Protein change: p.Gln473Ter; replaces glutamine 473 with a stop codon.
Molecular consequence: nonsense.
Genome position (GRCh38, 1-based): chr9:98,844,168, C>T. VCF-style: chr9-98844168-C-T. GRCh37 (hg19) VCF-style: chr9-101606450-C-T.
Other names: short protein forms Q473*.
Identifiers: ClinVar variation 1772159 (VCV001772159.9), dbSNP rs979207164, ClinGen allele CA196831719.